The following is an entry in ClinVar:

NM_000368.5(TSC1):c.1763T>G (p.Ile588Ser)

Gene: TSC1 (TSC complex subunit 1; minus strand). Cytogenetic location: 9q34.13.
Variant type: single nucleotide variant.
Coding change: c.1763T>G on transcript NM_000368.5 (MANE Select); coding-DNA position 1763, T replaced by G.
Protein change: p.Ile588Ser; replaces isoleucine 588 with serine.
Molecular consequence: missense variant. On other transcripts: non-coding transcript variant (5).
Genome position (GRCh38, 1-based): chr9:132,905,815, A>C on the plus strand (T>G on the coding strand, the complement: TSC1 is on the minus strand). VCF-style: chr9-132905815-A-C. GRCh37 (hg19) VCF-style: chr9-135781202-A-C.
Other names: c.1760T>G, p.Ile587Ser (NM_001162426.2, NM_001406608.1, NM_001406609.1 and 6 more transcripts); c.1610T>G, p.Ile537Ser (NM_001162427.2, NM_001406610.1); c.1400T>G, p.Ile467Ser (NM_001362177.2, NM_001406624.1, NM_001406614.1 and 5 more transcripts); c.1397T>G, p.Ile466Ser (NM_001406625.1, NM_001406620.1, NM_001406621.1 and 2 more transcripts); c.812T>G, p.Ile271Ser (NM_001406626.1); c.809T>G, p.Ile270Ser (NM_001406627.1, NM_001406628.1); c.710T>G, p.Ile237Ser (NM_001406629.1, NM_001406630.1); c.1763T>G, p.Ile588Ser (NM_001406592.1, NM_001406593.1, NM_001406594.1 and 7 more transcripts); and 1 more; short protein forms I237S, I466S, I270S, I536S, I588S, I271S, I467S, I537S.
Identifiers: ClinVar variation 4709623 (VCV004709623.1).
Genomic context (GRCh38, chr9:132,905,815, plus strand): 5'-AAAAGATGATCATACGGGGGAGGCTGCCCGCTTCCAAAGCCCACTCTCGTCGGAGGTGGA[A>C]TTTTACAAGGACTGGGAGTGAAGATACTGGTCTCCAAAGAAGTCTGGCATTCCCTGTCTC-3'
Protein context (NP_000359.1, residues 578-598): TSIFTPSPCK[Ile588Ser]PPPTRVGFGS

ClinVar aggregate classification (germline): Uncertain significance (1 of 4 stars; one submission).

Conditions:
Tuberous sclerosis 1 (TSC1). Identifiers: Orphanet 805, MedGen C1854465, MONDO:0008612, OMIM 191100.

Submission:

Labcorp Genetics (formerly Invitae), Labcorp
Classification: Uncertain significance for Tuberous sclerosis 1. Last evaluated: 2025-09-21. Review status: criteria provided, single submitter. Criteria: Invitae Variant Classification Sherloc (09022015). Collection method: clinical testing. Allele origin: germline.
Comment: This sequence change replaces isoleucine, which is neutral and non-polar, with serine, which is neutral and polar, at codon 588 of the TSC1 protein (p.Ile588Ser). This variant is not present in population databases (gnomAD no frequency). This variant has not been reported in the literature in individuals affected with TSC1-related conditions. Invitae Evidence Modeling of protein sequence and biophysical properties (such as structural, functional, and spatial information, amino acid conservation, physicochemical variation, residue mobility, and thermodynamic stability) indicates that this missense variant is not expected to disrupt TSC1 protein function with a negative predictive value of 95%. In summary, the available evidence is currently insufficient to determine the role of this variant in disease. Therefore, it has been classified as a Variant of Uncertain Significance.